The following is an entry in ClinVar:

ClinVar aggregate classification (germline): Conflicting classifications of pathogenicity. Review status: criteria provided, conflicting classifications (1 of 4 stars). 2 submissions from 2 submitters: Uncertain significance (1); Likely benign (1). Last evaluated 2025-04-07.

Conditions:
Inborn genetic diseases. Identifiers: MedGen C0950123, MeSH D030342.

Allele frequency attached by ClinVar (database versions not stated): TOPMed 0.00003; gnomAD 0.00005; ExAC 0.00008.
gnomAD v4.1: 67 of 1,613,864 alleles (0.0042%); highest among the groups gnomAD compares: East Asian, 0.016%; no homozygotes.

Submissions (2):

GeneDx
Classification: Uncertain significance. Last evaluated: 2025-04-07. Review status: criteria provided, single submitter. Criteria: GeneDx Variant Classification Process June 2021. Collection method: clinical testing. Allele origin: germline. Affected: yes.
Comment: Has not been previously published as pathogenic or benign to our knowledge; In silico analysis indicates that this missense variant does not alter protein structure/function

Ambry Genetics
Classification: Likely benign for Inborn genetic diseases. Last evaluated: 2023-09-26. Review status: criteria provided, single submitter. Criteria: Ambry Variant Classification Scheme 2023. Collection method: clinical testing. Allele origin: germline.

NM_021628.3(ALOXE3):c.527C>T (p.Thr176Met)

Gene: ALOXE3 (arachidonate epidermal lipoxygenase 3; minus strand). Cytogenetic location: 17p13.1.
Variant type: single nucleotide variant.
Coding change: c.527C>T on transcript NM_021628.3 (MANE Select); coding-DNA position 527, C replaced by T.
Protein change: p.Thr176Met; replaces threonine 176 with methionine.
Molecular consequence: missense variant.
Genome position (GRCh38, 1-based): chr17:8,114,965, G>A on the plus strand (C>T on the coding strand, the complement: ALOXE3 is on the minus strand). VCF-style: chr17-8114965-G-A. GRCh37 (hg19) VCF-style: chr17-8018283-G-A.
Other names: c.923C>T, p.Thr308Met (NM_001165960.1); c.527C>T, p.Thr176Met (NM_001369446.1); short protein forms T176M, T308M.
Identifiers: ClinVar variation 3113046 (VCV003113046.2), dbSNP rs781196632, ClinGen allele CA8368401.